The following is an entry in ClinVar:

NM_004972.4(JAK2):c.497T>A (p.Ile166Lys)

Genes: INSL6 (insulin like 6; minus strand), JAK2 (Janus kinase 2; plus strand). Cytogenetic location: 9p24.1.
Variant type: single nucleotide variant.
Coding change: c.497T>A on transcript NM_004972.4 (MANE Select); coding-DNA position 497, T replaced by A.
Protein change: p.Ile166Lys; replaces isoleucine 166 with lysine.
Molecular consequence: missense variant. On other transcripts: 5 prime UTR variant (2), non-coding transcript variant (2).
Genome position (GRCh38, 1-based): chr9:5,050,714, T>A. VCF-style: chr9-5050714-T-A. GRCh37 (hg19) VCF-style: chr9-5050714-T-A.
Other names: c.497T>A, p.Ile166Lys (NM_001322194.2, NM_001322195.2, NM_001322196.2); c.-624T>A (NM_001322198.2, NM_001322199.2); c.50T>A, p.Ile17Lys (NM_001322204.2); short protein forms I166K, I17K.
Identifiers: ClinVar variation 4801779 (VCV004801779.1).

ClinVar aggregate classification (germline): Uncertain significance (1 of 4 stars; one submission).

Submission:

Labcorp Genetics (formerly Invitae), Labcorp
Classification: Uncertain significance. Last evaluated: 2025-10-23. Review status: criteria provided, single submitter. Criteria: Invitae Variant Classification Sherloc (09022015). Collection method: clinical testing. Allele origin: germline.
Comment: This sequence change replaces isoleucine, which is neutral and non-polar, with lysine, which is basic and polar, at codon 166 of the JAK2 protein (p.Ile166Lys). This variant is not present in population databases (gnomAD no frequency). This variant has not been reported in the literature in individuals affected with JAK2-related conditions. Invitae Evidence Modeling of protein sequence and biophysical properties (such as structural, functional, and spatial information, amino acid conservation, physicochemical variation, residue mobility, and thermodynamic stability) indicates that this missense variant is not expected to disrupt JAK2 protein function with a negative predictive value of 95%. In summary, the available evidence is currently insufficient to determine the role of this variant in disease. Therefore, it has been classified as a Variant of Uncertain Significance.